The following is an entry in ClinVar:

ClinVar aggregate classification (germline): Likely pathogenic (1 of 4 stars; one submission).

Submission:

Dasa
Classification: Likely pathogenic. Last evaluated: 2025-09-01. Review status: criteria provided, single submitter. Criteria: DASA Assertion Criteria. Collection method: clinical testing. Allele origin: germline.
Comment: NM_001003722.2(GLE1):c.381del (p.Val128Trpfs*14) introduces a premature termination codon predicted to result in loss of normal protein function. Loss-of-function is an established mechanism of disease for this gene. The variant is present at low frequency in population datasets. Based on the available data, this variant is classified as likely pathogenic.

NM_001003722.2(GLE1):c.381del (p.Val128fs)

Gene: GLE1 (GLE1 RNA export mediator; plus strand). Cytogenetic location: 9q34.11.
Variant type: Deletion.
Coding change: c.381del on transcript NM_001003722.2 (MANE Select); coding-DNA position 381, one base deleted (A; older notation c.381delA).
Protein change: p.Val128fs; shifts the reading frame from valine 128.
Molecular consequence: frameshift variant.
Genome position (GRCh38, 1-based): chr9:128,515,588, A deleted; the last of 3 consecutive A bases (chr9:128,515,586-128,515,588); deleting any one gives the same sequence. VCF-style (leftmost placement, unchanged base first): chr9-128515585-CA-C. GRCh37 (hg19) VCF-style: chr9-131277864-CA-C.
Other names: c.381del, p.Val128fs (NM_001411013.1, NM_001499.2); short protein forms V128fs.
Identifiers: ClinVar variation 4851870 (VCV004851870.1).